The following is an entry in ClinVar:

NR_046473.1(MEG3):n.1153G>A

Gene: MEG3 (maternally expressed 3; plus strand). Cytogenetic location: 14q32.2.
Variant type: single nucleotide variant.
Molecular consequence: non-coding transcript variant (on NR_002766.2).
Genome position: GRCh38 VCF-style: chr14-100836270-G-A. GRCh37 (hg19) VCF-style: chr14-101302607-G-A.
Identifiers: ClinVar variation 3034727 (VCV003034727.2), dbSNP rs138219395, ClinGen allele CA7346849.

ClinVar aggregate classification (germline): Likely benign (0 of 4 stars; one submission).

Conditions:
MEG3-related disorder. Also called: MEG3-related condition.

Allele frequency attached by ClinVar (database versions not stated): 1000 Genomes Project 30x 0.00047; 1000 Genomes Project 0.00060; ExAC 0.00078; TOPMed 0.00143; gnomAD 0.00167; gnomAD exomes 0.00204.
gnomAD v4.1: 867 of 456,578 alleles (0.19%); highest among the groups gnomAD compares: Non-Finnish European, 0.3%; no homozygotes.

Submission:

PreventionGenetics, part of Exact Sciences
Classification: Likely benign for MEG3-related condition. Last evaluated: 2022-04-05. Review status: no assertion criteria provided. Collection method: clinical testing. Allele origin: germline.
Comment: This variant is classified as likely benign based on ACMG/AMP sequence variant interpretation guidelines (Richards et al. 2015 PMID: 25741868, with internal and published modifications).